The following is an entry in ClinVar:

NM_004656.4(BAP1):c.1060G>A (p.Val354Ile)

Gene: BAP1 (BRCA1 associated deubiquitinase 1; minus strand). Cytogenetic location: 3p21.1.
Variant type: single nucleotide variant.
Coding change: c.1060G>A on transcript NM_004656.4 (MANE Select); coding-DNA position 1060, G replaced by A.
Protein change: p.Val354Ile; replaces valine 354 with isoleucine.
Molecular consequence: missense variant.
Genome position (GRCh38, 1-based): chr3:52,405,166, C>T on the plus strand (G>A on the coding strand, the complement: BAP1 is on the minus strand). VCF-style: chr3-52405166-C-T. GRCh37 (hg19) VCF-style: chr3-52439182-C-T.
Other names: c.1060G>A (NM_004656.2); short protein forms V354I.
Identifiers: ClinVar variation 490767 (VCV000490767.16), dbSNP rs1174579740, ClinGen allele CA353105656.

ClinVar aggregate classification (germline): Conflicting classifications of pathogenicity. Review status: criteria provided, conflicting classifications (1 of 4 stars). 5 submissions from 5 submitters: Uncertain significance (4); Benign (1). Last evaluated 2025-10-30.

Conditions:
BAP1-related tumor predisposition syndrome (TPDS1). Also called: Tumor susceptibility linked to germline BAP1 mutations; BAP1 tumor predisposition syndrome; COMMON Syndrome; TUMOR PREDISPOSITION SYNDROME 1. Identifiers: Orphanet 289539, MedGen C3280492, MONDO:0013692, OMIM 614327.
Hereditary cancer-predisposing syndrome. Also called: Hereditary Cancer Syndrome; Neoplastic Syndromes, Hereditary; Tumor predisposition; Hereditary neoplastic syndrome. Identifiers: Orphanet 140162, MedGen C0027672, MeSH D009386, MONDO:0015356.
Kury-Isidor syndrome (KURIS). Identifiers: MedGen C5676925, MONDO:0859230, OMIM 619762.
Melanoma, uveal, susceptibility to, 2 (UVM2). Also called: Melanoma, uveal 2. Identifiers: Orphanet 39044, MedGen C1847723, MONDO:0011696, OMIM 606661.

Allele frequency attached by ClinVar (database versions not stated): gnomAD exomes below 0.00001 and 0.00001; TOPMed 0.00002.

Submissions (5):

Ambry Genetics
Classification: Benign for Hereditary cancer-predisposing syndrome. Last evaluated: 2025-10-30. Review status: criteria provided, single submitter. Criteria: Ambry Variant Classification Scheme 2023. Collection method: clinical testing. Allele origin: germline.

GeneDx
Classification: Uncertain significance. Last evaluated: 2024-12-13. Review status: criteria provided, single submitter. Criteria: GeneDx Variant Classification Process June 2021. Collection method: clinical testing. Allele origin: germline. Affected: yes.
Comment: Not observed at significant frequency in large population cohorts (gnomAD); In silico analysis indicates that this missense variant does not alter protein structure/function; Has not been previously published as pathogenic or benign to our knowledge

Labcorp Genetics (formerly Invitae), Labcorp
Classification: Uncertain significance for BAP1-related tumor predisposition syndrome. Last evaluated: 2024-08-15. Review status: criteria provided, single submitter. Criteria: Invitae Variant Classification Sherloc (09022015). Collection method: clinical testing. Allele origin: germline.
Comment: This sequence change replaces valine, which is neutral and non-polar, with isoleucine, which is neutral and non-polar, at codon 354 of the BAP1 protein (p.Val354Ile). This variant is present in population databases (no rsID available, gnomAD 0.0009%). This variant has not been reported in the literature in individuals affected with BAP1-related conditions. ClinVar contains an entry for this variant (Variation ID: 490767). Invitae Evidence Modeling of protein sequence and biophysical properties (such as structural, functional, and spatial information, amino acid conservation, physicochemical variation, residue mobility, and thermodynamic stability) indicates that this missense variant is not expected to disrupt BAP1 protein function with a negative predictive value of 80%. In summary, the available evidence is currently insufficient to determine the role of this variant in disease. Therefore, it has been classified as a Variant of Uncertain Significance.

Fulgent Genetics
Classification: Uncertain significance for Melanoma, uveal, susceptibility to, 2; BAP1-related tumor predisposition syndrome; Kury-Isidor syndrome. Last evaluated: 2024-03-24. Review status: criteria provided, single submitter. Criteria: ACMG Guidelines, 2015. Collection method: clinical testing. Allele origin: germline.

Color Diagnostics, LLC DBA Color Health
Classification: Uncertain significance for Hereditary cancer-predisposing syndrome. Last evaluated: 2024-03-06. Review status: criteria provided, single submitter. Criteria: ACMG Guidelines, 2015. Collection method: clinical testing. Allele origin: germline.
Comment: This missense variant replaces valine with isoleucine at codon 354 of the BAP1 protein. Computational prediction is inconclusive regarding the impact of this variant on protein structure and function (internally defined REVEL score threshold 0.5 < inconclusive < 0.7, PMID: 27666373). To our knowledge, functional studies have not been reported for this variant. This variant has not been reported in individuals affected with hereditary cancer in the literature. This variant has been identified in 1/251404 chromosomes in the general population by the Genome Aggregation Database (gnomAD). The available evidence is insufficient to determine the role of this variant in disease conclusively. Therefore, this variant is classified as a Variant of Uncertain Significance.

Literature cited by the submitters: PubMed 38969833 (cited by Ambry Genetics).